The following is an entry in ClinVar:

ClinVar aggregate classification (germline): Uncertain significance. Review status: criteria provided, multiple submitters, no conflicts (2 of 4 stars). 2 submissions from 2 submitters: Uncertain significance (2). Last evaluated 2023-10-16.

Conditions:
Inborn genetic diseases. Identifiers: MedGen C0950123, MeSH D030342.

Submissions (2):

Women's Health and Genetics/Laboratory Corporation of America, LabCorp
Classification: Uncertain significance. Last evaluated: 2023-10-16. Review status: criteria provided, single submitter. Criteria: LabCorp Variant Classification Summary - May 2015. Collection method: clinical testing. Allele origin: germline.
Comment: Variant summary: PIGB c.1626delG (p.Lys543SerfsX2) results in a premature termination codon affecting the last 13 codons in the last exon of the PIGB protein. This truncation is not expected to result in nonsense mediated decay. The variant allele was found at a frequency of 8.2e-06 in 244634 control chromosomes. The available data on variant occurrences in the general population are insufficient to allow any conclusion about variant significance. To our knowledge, no occurrence of c.1626delG in individuals affected with Developmental And Epileptic Encephalopathy, 80 and no experimental evidence demonstrating its impact on protein function have been reported. One submitter has cited clinical-significance assessments for this variant to ClinVar after 2014 and has classified the variant as uncertain significance. Based on the evidence outlined above, the variant was classified as uncertain significance.

Ambry Genetics
Classification: Uncertain significance for Inborn genetic diseases. Last evaluated: 2022-07-08. Review status: criteria provided, single submitter. Criteria: Ambry Variant Classification Scheme 2023. Collection method: clinical testing. Allele origin: germline.
Comment: Not expected to trigger nonsense-mediated mRNA decay Based on insufficient or conflicting evidence, the clinical significance of this alteration remains unclear.

NM_004855.5(PIGB):c.1626del (p.Lys543fs)

Genes: CCPG1 (cell cycle progression 1; minus strand), DNAAF4-CCPG1 (DNAAF4-CCPG1 readthrough (NMD candidate); minus strand), PIGB (phosphatidylinositol glycan anchor biosynthesis class B; plus strand). Cytogenetic location: 15q21.3.
Variant type: Deletion.
Coding change: c.1626del on transcript NM_004855.5 (MANE Select); coding-DNA position 1626, one base deleted (G; older notation c.1626delG).
Protein change: p.Lys543fs; shifts the reading frame from lysine 543.
Molecular consequence: frameshift variant. On other transcripts: non-coding transcript variant (1), 3 prime UTR variant (4).
Genome position (GRCh38, 1-based): chr15:55,355,393, G deleted; the last of 2 consecutive G bases (chr15:55,355,392-55,355,393); deleting either gives the same sequence. VCF-style (leftmost placement, unchanged base first): chr15-55355391-CG-C. GRCh37 (hg19) VCF-style: chr15-55647589-CG-C.
Other names: c.1626delG (NM_004855.5); c.*828del (NM_001204450.2, NM_001204451.2); c.*4107del (NM_004748.6, NM_020739.5); short protein forms K543fs.
Identifiers: ClinVar variation 2291900 (VCV002291900.3), dbSNP rs774234795, ClinGen allele CA7574139.